The following is an entry in ClinVar:

NM_001286445.3(RIPOR2):c.2000C>T (p.Ala667Val)

Gene: RIPOR2 (RHO family interacting cell polarization regulator 2; minus strand). Cytogenetic location: 6p22.3.
Variant type: single nucleotide variant.
Coding change: c.2000C>T on transcript NM_001286445.3 (MANE Select); coding-DNA position 2000, C replaced by T.
Protein change: p.Ala667Val; replaces alanine 667 with valine.
Molecular consequence: missense variant.
Genome position (GRCh38, 1-based): chr6:24,839,130, G>A on the plus strand (C>T on the coding strand, the complement: RIPOR2 is on the minus strand). VCF-style: chr6-24839130-G-A. GRCh37 (hg19) VCF-style: chr6-24839358-G-A.
Other names: c.1913C>T, p.Ala638Val (NM_001346031.2, NM_001346032.2); c.2063C>T, p.Ala688Val (NM_014722.5); short protein forms A638V, A667V, A688V.
Identifiers: ClinVar variation 3340368 (VCV003340368.1).
Genomic context (GRCh38, chr6:24,839,130, plus strand): 5'-AGACACTAACTTCAGACTTACCTGTGTTTCTCAGTCTCAGTGTCTGAAAATACTGAGTCA[G>A]CACCTCCGCCAACATTACAAACCTCATCACCATCCTCCTCCTCGTCAAAATCAGAGGTGT-3'
Protein context (NP_001273374.1, residues 657-677): GDEVCNVGGG[Ala667Val]DSVFSDTETE

ClinVar aggregate classification (germline): Uncertain significance (1 of 4 stars; one submission).

gnomAD v4.1: 25 of 1,551,460 alleles (0.0016%); highest among the groups gnomAD compares: African/African-American, 0.031%; no homozygotes.

Submission:

GeneDx
Classification: Uncertain significance. Last evaluated: 2023-06-20. Review status: criteria provided, single submitter. Criteria: GeneDx Variant Classification Process June 2021. Collection method: clinical testing. Allele origin: germline. Affected: yes.
Comment: In silico analysis supports that this missense variant does not alter protein structure/function; Has not been previously published as pathogenic or benign to our knowledge; Variants in candidate genes are classified as variants of uncertain significance in accordance with ACMG guidelines (Richards et al., 2015)